The following is an entry in ClinVar:

ClinVar aggregate classification (germline): Uncertain significance (1 of 4 stars; one submission).

Conditions:
Cardiovascular phenotype. Identifiers: MedGen CN230736.

Submission:

Ambry Genetics
Classification: Uncertain significance for Cardiovascular phenotype. Last evaluated: 2023-07-17. Review status: criteria provided, single submitter. Criteria: Ambry Variant Classification Scheme 2023. Collection method: clinical testing. Allele origin: germline.
Comment: The c.117delTinsAGTCCTCGGTCAAA (p.R41Lfs*22) alteration, located in coding exon 2 of the TTR gene, results from an in-frame deletion of 1 nucleotide and insertion of 14 nucleotides (AGTCCTCGGTCAAA) at nucleotide position 117 causing a translational frameshift at codon 41 with a predicted alternate stop codon after 22 amino acids. This alteration is expected to result in premature protein truncation or nonsense-mediated mRNA decay. However, loss of function of TTR has not been established as a mechanism of disease. This variant was not reported in population-based cohorts in the Genome Aggregation Database (gnomAD). Based on insufficient or conflicting evidence, the clinical significance of this alteration remains unclear.

NM_000371.4(TTR):c.117delinsAGTCCTCGGTCAAA (p.Arg41fs)

Gene: TTR (transthyretin; plus strand). Cytogenetic location: 18q12.1.
Variant type: Indel.
Coding change: c.117delinsAGTCCTCGGTCAAA on transcript NM_000371.4 (MANE Select); coding-DNA position 117, T replaced by AGTCCTCGGTCAAA.
Protein change: p.Arg41fs; shifts the reading frame from arginine 41.
Molecular consequence: frameshift variant.
Genome position (GRCh38, 1-based): chr18:31,592,943, T replaced by AGTCCTCGGTCAAA. VCF-style: chr18-31592943-T-AGTCCTCGGTCAAA. GRCh37 (hg19) VCF-style: chr18-29172906-T-AGTCCTCGGTCAAA.
Other names: short protein forms R41fs.
Identifiers: ClinVar variation 2610176 (VCV002610176.2), dbSNP rs2510932360, ClinGen allele CA2582342335.